The following is an entry in ClinVar:

NM_001318510.2(ACSL4):c.1022A>C (p.Tyr341Ser)

Gene: ACSL4 (acyl-CoA synthetase long chain family member 4; minus strand). Cytogenetic location: Xq23.
Variant type: single nucleotide variant.
Coding change: c.1022A>C on transcript NM_001318510.2 (MANE Select); coding-DNA position 1022, A replaced by C.
Protein change: p.Tyr341Ser; replaces tyrosine 341 with serine.
Molecular consequence: missense variant.
Genome position (GRCh38, 1-based): chrX:109,669,154, T>G on the plus strand (A>C on the coding strand, the complement: ACSL4 is on the minus strand). VCF-style: chrX-109669154-T-G. GRCh37 (hg19) VCF-style: chrX-108912383-T-G.
Other names: c.1145A>C, p.Tyr382Ser (NM_001318509.2, NM_022977.3); c.1022A>C, p.Tyr341Ser (NM_004458.3); short protein forms Y341S, Y382S.
Identifiers: ClinVar variation 2581860 (VCV002581860.1), dbSNP rs1922940321, ClinGen allele CA414216558.

ClinVar aggregate classification (germline): Uncertain significance (1 of 4 stars; one submission).

Submission:

GeneDx
Classification: Uncertain significance. Last evaluated: 2023-03-31. Review status: criteria provided, single submitter. Criteria: GeneDx Variant Classification Process June 2021. Collection method: clinical testing. Allele origin: germline. Affected: yes.
Comment: Not observed at significant frequency in large population cohorts (gnomAD); In silico analysis supports that this missense variant does not alter protein structure/function; Has not been previously published as pathogenic or benign to our knowledge